The following is an entry in ClinVar:

NM_006019.4(TCIRG1):c.2376_2379del (p.Glu792fs)

Gene: TCIRG1 (T cell immune regulator 1, ATPase H+ transporting V0 subunit a3; plus strand). Cytogenetic location: 11q13.2.
Variant type: Deletion.
Coding change: c.2376_2379del on transcript NM_006019.4 (MANE Select); coding-DNA positions 2376 to 2379, 4 bases deleted (GGGA; older notation c.2376_2379delGGGA).
Protein change: p.Glu792fs; shifts the reading frame from glutamic acid 792.
Molecular consequence: frameshift variant.
Genome position (GRCh38, 1-based): chr11:68,050,626-68,050,629, GGGA deleted; deleting any 4 consecutive bases within chr11:68,050,623-68,050,629 gives the same sequence; the c. name uses the placement nearest the transcript's 3' end. VCF-style (leftmost placement, unchanged base first): chr11-68050622-TGGAG-T. GRCh37 (hg19) VCF-style: chr11-67818089-TGGAG-T.
Other names: c.1482_1485del, p.Glu494fs (NM_001351059.2); c.1728_1731del, p.Glu576fs (NM_006053.4); c.2376_2379del (NM_006019.3); short protein forms E494fs, E576fs, E792fs.
Identifiers: ClinVar variation 2679124 (VCV002679124.6), dbSNP rs1189520104, ClinGen allele CA679557671.

ClinVar aggregate classification (germline): Pathogenic/Likely pathogenic. Review status: criteria provided, multiple submitters, no conflicts (2 of 4 stars). 4 submissions from 4 submitters: Pathogenic (2); Likely pathogenic (2). Last evaluated 2025-02-10.

Conditions:
Autosomal recessive osteopetrosis 1. Also called: ALBERS-SCHONBERG DISEASE, AUTOSOMAL RECESSIVE; TCIRG1-Related Autosomal Recessive Osteopetrosis; TCIRG1-Related Osteopetrosis. Identifiers: Orphanet 667, MedGen C1850127, MONDO:0009815, OMIM 259700.

Submissions (4):

Natera, Inc.
Classification: Likely pathogenic for Infantile malignant osteopetrosis. Last evaluated: 2025-02-10. Review status: criteria provided, single submitter. Criteria: Natera Variant Classification Schema (03/2026). Collection method: clinical testing. Allele origin: germline.
Comment: The c.2376_2379del variant in TCIRG1 is a frameshift variant predicted to shift the reading frame beginning at codon 792 and leads to a stop codon 28 codons downstream. This variant is expected to result in nonsense mediated decay, truncation, or a dysfunctional protein product. This variant is rare in the general population with a frequency below the threshold expected for the associated phenotype(s). This variant has been observed in one or more individuals affected with the associated recessive disease, as either homozygous or compound heterozygous with a second variant (PMID: 10888887). Given the available evidence, this variant is classified as Likely Pathogenic.

Fulgent Genetics
Classification: Likely pathogenic for Autosomal recessive osteopetrosis 1. Last evaluated: 2024-03-29. Review status: criteria provided, single submitter. Criteria: ACMG Guidelines, 2015. Collection method: clinical testing. Allele origin: germline.

Labcorp Genetics (formerly Invitae), Labcorp
Classification: Pathogenic. Last evaluated: 2023-06-05. Review status: criteria provided, single submitter. Criteria: Invitae Variant Classification Sherloc (09022015). Collection method: clinical testing. Allele origin: germline.
Comment: This variant is also known as del 11647-11650. This variant disrupts a region of the TCIRG1 protein in which other variant(s) (p.Ala796Leufs*34) have been determined to be pathogenic (PMID: 30537558; Invitae). This suggests that this is a clinically significant region of the protein, and that variants that disrupt it are likely to be disease-causing. For these reasons, this variant has been classified as Pathogenic. This premature translational stop signal has been observed in individual(s) with infantile malignant osteopetrosis (PMID: 10888887). This sequence change creates a premature translational stop signal (p.Glu792Aspfs*28) in the TCIRG1 gene. While this is not anticipated to result in nonsense mediated decay, it is expected to disrupt the last 39 amino acid(s) of the TCIRG1 protein. This variant is not present in population databases (gnomAD no frequency).

Baylor Genetics
Classification: Pathogenic for Autosomal recessive osteopetrosis 1. Last evaluated: 2023-04-05. Review status: criteria provided, single submitter. Criteria: ACMG Guidelines, 2015. Collection method: clinical testing. Allele origin: unknown.

Literature cited by the submitters: PubMed 10888887 (cited by Natera, Inc. and Labcorp Genetics (formerly Invitae), Labcorp); PubMed 30537558 (cited by Labcorp Genetics (formerly Invitae), Labcorp).